The following is an entry in ClinVar:

NM_197968.4(ZMYM2):c.1632G>T (p.Arg544Ser)

Gene: ZMYM2 (zinc finger MYM-type containing 2; plus strand). Cytogenetic location: 13q12.11.
Variant type: single nucleotide variant.
Coding change: c.1632G>T on transcript NM_197968.4 (MANE Select); coding-DNA position 1632, G replaced by T.
Protein change: p.Arg544Ser; replaces arginine 544 with serine.
Molecular consequence: missense variant. On other transcripts: non-coding transcript variant (1).
Genome position (GRCh38, 1-based): chr13:20,026,659, G>T. VCF-style: chr13-20026659-G-T. GRCh37 (hg19) VCF-style: chr13-20600799-G-T.
Other names: c.1632G>T, p.Arg544Ser (NM_001190964.4, NM_001190965.4, NM_001353157.2 and 5 more transcripts); c.1437G>T, p.Arg479Ser (NM_001353161.3); c.1371G>T, p.Arg457Ser (NM_001353163.2); short protein forms R457S, R479S, R544S.
Identifiers: ClinVar variation 4993457 (VCV004993457.1).

ClinVar aggregate classification (germline): Uncertain significance (1 of 4 stars; one submission).

Conditions:
ZMYM2-related disorder. Also called: ZMYM2-related condition.

Submission:

PreventionGenetics, part of Exact Sciences
Classification: Uncertain significance for ZMYM2-related condition. Last evaluated: 2025-09-30. Review status: criteria provided, single submitter. Criteria: ACMG Guidelines, 2015. Collection method: clinical testing. Allele origin: germline.
Comment: The ZMYM2 c.1632G>T variant is predicted to result in the amino acid substitution p.Arg544Ser. To our knowledge, this variant has not been reported in the literature or in a large population database (gnomAD), indicating this variant is rare. At this time, the clinical significance of this variant is uncertain due to the absence of conclusive functional and genetic evidence.